The following is an entry in ClinVar:

NM_004525.3(LRP2):c.12924G>A (p.Thr4308=)

Gene: LRP2 (LDL receptor related protein 2; minus strand). Cytogenetic location: 2q31.1.
Variant type: single nucleotide variant.
Coding change: c.12924G>A on transcript NM_004525.3 (MANE Select); coding-DNA position 12924, G replaced by A.
Protein change: p.Thr4308=; no amino-acid change (threonine 4308 retained).
Molecular consequence: synonymous variant.
Genome position (GRCh38, 1-based): chr2:169,145,811, C>T on the plus strand (G>A on the coding strand, the complement: LRP2 is on the minus strand). VCF-style: chr2-169145811-C-T. GRCh37 (hg19) VCF-style: chr2-170002321-C-T.
Identifiers: ClinVar variation 2189966 (VCV002189966.28), dbSNP rs753702869, ClinGen allele CA1952699.
Genomic context (GRCh38, chr2:169,145,811, plus strand): 5'-CTTATTGTATCTGAGTTGATGAAAGATTCGAACTTGAGTGAGCCAAGGGTTCACTACCAG[C>T]GTTTTCTCTTTCTTTCCTTGCCCAAATTTATTTTGTTTCCATACTTCTCCCTTTTCCTTA-3'
Protein context (NP_004516.2, residues 4298-4318): NKFGQGKKEK[Thr4308=]LVVNPWLTQV

ClinVar aggregate classification (germline): Likely benign. Review status: criteria provided, multiple submitters, no conflicts (2 of 4 stars). 2 submissions from 2 submitters: Likely benign (2). Last evaluated 2026-01-04.

Allele frequency attached by ClinVar (database versions not stated): gnomAD exomes below 0.00001; ExAC 0.00002.
gnomAD v4.1: 10 of 1,613,994 alleles (0.00062%); highest among the groups gnomAD compares: Middle Eastern, 0.016%; no homozygotes.

Submissions (2):

Labcorp Genetics (formerly Invitae), Labcorp
Classification: Likely benign. Last evaluated: 2026-01-04. Review status: criteria provided, single submitter. Criteria: Invitae Variant Classification Sherloc (09022015). Collection method: clinical testing. Allele origin: germline.

CeGaT Center for Human Genetics Tuebingen
Classification: Likely benign. Last evaluated: 2022-10-01. Review status: criteria provided, single submitter. Criteria: CeGaT Center For Human Genetics Tuebingen Variant Classification Criteria Version 2. Collection method: clinical testing. Allele origin: germline. Affected: yes. Observed: 1 variant allele.
Comment: LRP2: BP4, BP7